The following is an entry in ClinVar:

NM_007373.4(SHOC2):c.29A>C (p.Asp10Ala)

Gene: SHOC2 (SHOC2 leucine rich repeat scaffold protein; plus strand). Cytogenetic location: 10q25.2.
Variant type: single nucleotide variant.
Coding change: c.29A>C on transcript NM_007373.4 (MANE Select); coding-DNA position 29, A replaced by C.
Protein change: p.Asp10Ala; replaces aspartic acid 10 with alanine.
Molecular consequence: missense variant. On other transcripts: 5 prime UTR variant (1), non-coding transcript variant (1), intron variant (3).
Genome position (GRCh38, 1-based): chr10:110,964,387, A>C. VCF-style: chr10-110964387-A-C. GRCh37 (hg19) VCF-style: chr10-112724145-A-C.
Other names: c.29A>C, p.Asp10Ala (NM_001269039.3, NM_001324336.2, NM_001324337.2 and 4 more transcripts); c.-758A>C (NM_001441188.1); c.-380-21241A>C (NM_001441190.1); c.-249-21241A>C (NM_001441191.1); c.-242-36028A>C (NM_001441189.1); short protein forms D10A.
Identifiers: ClinVar variation 5039498 (VCV005039498.1).

ClinVar aggregate classification (germline): Uncertain significance (1 of 4 stars; one submission).

Submission:

CeGaT Center for Human Genetics Tuebingen
Classification: Uncertain significance. Last evaluated: 2026-07-01. Review status: criteria provided, single submitter. Criteria: CeGaT Center For Human Genetics Tuebingen Variant Classification Criteria Version 2. Collection method: clinical testing. Allele origin: germline. Affected: yes. Observed: 1 variant allele.
Comment: SHOC2: PM2